The following is an entry in ClinVar:

ClinVar aggregate classification (germline): Uncertain significance. Review status: criteria provided, multiple submitters, no conflicts (2 of 4 stars). 2 submissions from 2 submitters: Uncertain significance (2). Last evaluated 2024-07-12.

Conditions:
Hereditary cancer-predisposing syndrome. Also called: Hereditary Cancer Syndrome; Hereditary neoplastic syndrome; Neoplastic Syndromes, Hereditary; Tumor predisposition. Identifiers: Orphanet 140162, MedGen C0027672, MeSH D009386, MONDO:0015356.
Oligodontia-cancer predisposition syndrome. Also called: TOOTH AGENESIS-COLORECTAL CANCER SYNDROME. Identifiers: Orphanet 300576, MedGen C1837750, MONDO:0012075, OMIM 608615. Disease mechanism: loss of function.

Submissions (2):

Ambry Genetics
Classification: Uncertain significance for Hereditary cancer-predisposing syndrome. Last evaluated: 2024-07-12. Review status: criteria provided, single submitter. Criteria: Ambry Variant Classification Scheme 2023. Collection method: clinical testing. Allele origin: germline.
Comment: The c.1163_1183dup21 variant (also known as p.R388_R394dup), located in coding exon 4 of the AXIN2 gene, results from an in-frame duplication of 21 nucleotides at nucleotide positions 1163 to 1183. This results in the duplication of 7 extra residues (RHSLEER) between codons 388 and 394. This amino acid region is well conserved in available vertebrate species. In addition, this alteration is predicted to be deleterious by in silico analysis (Choi Y et al. PLoS ONE. 2012; 7(10):e46688). Based on the available evidence, the clinical significance of this variant remains unclear.

Labcorp Genetics (formerly Invitae), Labcorp
Classification: Uncertain significance for Oligodontia-cancer predisposition syndrome. Last evaluated: 2016-12-19. Review status: criteria provided, single submitter. Criteria: Invitae Variant Classification Sherloc (09022015). Collection method: clinical testing. Allele origin: germline.
Comment: Experimental studies and prediction algorithms are not available for this variant, and the functional significance of the duplicated amino acids is currently unknown. In summary, this variant is a novel in-frame duplication of 7 amino acid residues with uncertain impact on protein function. It has been classified as a Variant of Uncertain Significance. This variant is not present in population databases (ExAC no frequency) and has not been reported in the literature in individuals with a AXIN2-related disease. This sequence change inserts 21 nucleotides in exon 5 of the AXIN2 mRNA (c.1163_1183dup21). This leads to the insertion of 7 amino acid residues in the AXIN2 protein (p.Arg388_Arg394dup) but otherwise preserves the integrity of the reading frame.

NM_004655.4(AXIN2):c.1163_1183dup (p.Arg388_Arg394dup)

Gene: AXIN2 (axin 2; minus strand). Cytogenetic location: 17q24.1.
Variant type: Duplication.
Coding change: c.1163_1183dup on transcript NM_004655.4 (MANE Select); coding-DNA positions 1163 to 1183, 21 bases duplicated (GCCACAGCCTGGAGGAGCGCC).
Protein change: p.Arg388_Arg394dup.
Molecular consequence: inframe insertion.
Genome position (GRCh38, 1-based): chr17:65,538,220-65,538,240, GGCGCTCCTCCAGGCTGTGGC duplicated on the plus strand (GCCACAGCCTGGAGGAGCGCC on the coding strand, the reverse complement: AXIN2 is on the minus strand); duplicating any 21 consecutive bases within chr17:65,538,220-65,538,243 gives the same sequence; the c. name uses the placement nearest the transcript's 3' end. VCF-style (leftmost placement, unchanged base first): chr17-65538219-A-AGGCGCTCCTCCAGGCTGTGGC. GRCh37 (hg19) VCF-style: chr17-63534337-A-AGGCGCTCCTCCAGGCTGTGGC.
Other names: c.1163_1183dup (LRG_296t1); c.1163_1183dupGCCACAGCCTGGAGGAGCGCC (NM_004655.3); c.1163_1183dup, p.Arg388_Arg394dup (NM_001363813.1).
Identifiers: ClinVar variation 408764 (VCV000408764.12), dbSNP rs1555578452, ClinGen allele CA16615887.